The following is an entry in ClinVar:

ClinVar aggregate classification (germline): Uncertain significance. Review status: criteria provided, multiple submitters, no conflicts (2 of 4 stars). 2 submissions from 2 submitters: Uncertain significance (2). Last evaluated 2024-10-17.

Conditions:
Charcot-Marie-Tooth disease. Also called: Charcot-Marie-Tooth Hereditary Neuropathy; Charcot-Marie-Tooth Neuropathy. Identifiers: Orphanet 166, MedGen C0007959, MONDO:0015626.
Charcot-Marie-Tooth disease axonal type 2C (HMSN2C). Also called: Charcot-Marie-Tooth Disease Type 2, TRPV4-Related (CMT2C); CHARCOT-MARIE-TOOTH DISEASE, AXONAL, AUTOSOMAL DOMINANT, TYPE 2C; Charcot-Marie-Tooth Neuropathy Type 2C. Identifiers: Orphanet 99937, MedGen C1853710, MONDO:0011633, OMIM 606071.

Allele frequency attached by ClinVar (database versions not stated): gnomAD exomes below 0.00001 and 0.00001; gnomAD 0.00001; TOPMed 0.00001.
gnomAD v4.1: 7 of 1,547,120 alleles (0.00045%); highest among the groups gnomAD compares: African/African-American, 0.0041%; no homozygotes.

Submissions (2):

Labcorp Genetics (formerly Invitae), Labcorp
Classification: Uncertain significance for Charcot-Marie-Tooth disease axonal type 2C. Last evaluated: 2024-10-17. Review status: criteria provided, single submitter. Criteria: Invitae Variant Classification Sherloc (09022015). Collection method: clinical testing. Allele origin: germline.
Comment: This sequence change replaces glycine, which is neutral and non-polar, with aspartic acid, which is acidic and polar, at codon 7 of the TRPV4 protein (p.Gly7Asp). The frequency data for this variant in the population databases is considered unreliable, as metrics indicate poor data quality at this position in the gnomAD database. This variant has not been reported in the literature in individuals affected with TRPV4-related conditions. ClinVar contains an entry for this variant (Variation ID: 916984). Invitae Evidence Modeling of protein sequence and biophysical properties (such as structural, functional, and spatial information, amino acid conservation, physicochemical variation, residue mobility, and thermodynamic stability) indicates that this missense variant is not expected to disrupt TRPV4 protein function with a negative predictive value of 95%. In summary, the available evidence is currently insufficient to determine the role of this variant in disease. Therefore, it has been classified as a Variant of Uncertain Significance.

Molecular Genetics Laboratory, London Health Sciences Centre
Classification: Uncertain significance for Charcot-Marie-Tooth disease. Review status: criteria provided, single submitter. Criteria: ACMG Guidelines, 2015. Collection method: clinical testing. Allele origin: germline. Affected: yes.

NM_021625.5(TRPV4):c.20G>A (p.Gly7Asp)

Gene: TRPV4 (transient receptor potential cation channel subfamily V member 4; minus strand). Cytogenetic location: 12q24.11.
Variant type: single nucleotide variant.
Coding change: c.20G>A on transcript NM_021625.5 (MANE Select); coding-DNA position 20, G replaced by A.
Protein change: p.Gly7Asp; replaces glycine 7 with aspartic acid.
Molecular consequence: missense variant.
Genome position (GRCh38, 1-based): chr12:109,814,777, C>T on the plus strand (G>A on the coding strand, the complement: TRPV4 is on the minus strand). VCF-style: chr12-109814777-C-T. GRCh37 (hg19) VCF-style: chr12-110252582-C-T.
Other names: c.20G>A, p.Gly7Asp (NM_147204.3, NM_001177428.2, NM_001177431.2 and 1 more transcripts); short protein forms G7D.
Identifiers: ClinVar variation 916984 (VCV000916984.5), dbSNP rs1213728059, ClinGen allele CA386661240.